The following is an entry in ClinVar:

NM_020061.6(OPN1LW):c.134A>G (p.Tyr45Cys)

Gene: OPN1LW (opsin 1, long wave sensitive; plus strand). Cytogenetic location: Xq28.
Variant type: single nucleotide variant.
Coding change: c.134A>G on transcript NM_020061.6 (MANE Select); coding-DNA position 134, A replaced by G.
Protein change: p.Tyr45Cys; replaces tyrosine 45 with cysteine.
Molecular consequence: missense variant.
Genome position (GRCh38, 1-based): chrX:154,150,677, A>G. VCF-style: chrX-154150677-A-G. GRCh37 (hg19) VCF-style: chrX-153416149-A-G.
Other names: short protein forms Y45C.
Identifiers: ClinVar variation 4087921 (VCV004087921.1).

ClinVar aggregate classification (germline): Uncertain significance (1 of 4 stars; one submission).

Submission:

GeneDx
Classification: Uncertain significance. Last evaluated: 2025-03-27. Review status: criteria provided, single submitter. Criteria: GeneDx Variant Classification Process June 2021. Collection method: clinical testing. Allele origin: germline. Affected: yes.
Comment: Not observed at significant frequency in large population cohorts (gnomAD); In silico analysis supports that this missense variant has a deleterious effect on protein structure/function; Has not been previously published as pathogenic or benign to our knowledge